The following is an entry in ClinVar:

NM_005573.4(LMNB1):c.1319G>A (p.Gly440Glu)

Gene: LMNB1 (lamin B1; plus strand). Cytogenetic location: 5q23.2.
Variant type: single nucleotide variant.
Coding change: c.1319G>A on transcript NM_005573.4 (MANE Select); coding-DNA position 1319, G replaced by A.
Protein change: p.Gly440Glu; replaces glycine 440 with glutamic acid.
Molecular consequence: missense variant. On other transcripts: non-coding transcript variant (2).
Genome position (GRCh38, 1-based): chr5:126,821,068, G>A. VCF-style: chr5-126821068-G-A. GRCh37 (hg19) VCF-style: chr5-126156760-G-A.
Other names: c.689G>A, p.Gly230Glu (NM_001198557.2); short protein forms G230E, G440E.
Identifiers: ClinVar variation 3695885 (VCV003695885.2).

ClinVar aggregate classification (germline): Uncertain significance (1 of 4 stars; one submission).

Submission:

Labcorp Genetics (formerly Invitae), Labcorp
Classification: Uncertain significance. Last evaluated: 2024-02-17. Review status: criteria provided, single submitter. Criteria: Invitae Variant Classification Sherloc (09022015). Collection method: clinical testing. Allele origin: germline.
Comment: This sequence change replaces glycine, which is neutral and non-polar, with glutamic acid, which is acidic and polar, at codon 440 of the LMNB1 protein (p.Gly440Glu). This variant is not present in population databases (gnomAD no frequency). This variant has not been reported in the literature in individuals affected with LMNB1-related conditions. Advanced modeling of protein sequence and biophysical properties (such as structural, functional, and spatial information, amino acid conservation, physicochemical variation, residue mobility, and thermodynamic stability) performed at Invitae indicates that this missense variant is expected to disrupt LMNB1 protein function with a positive predictive value of 80%. In summary, the available evidence is currently insufficient to determine the role of this variant in disease. Therefore, it has been classified as a Variant of Uncertain Significance.